The following is an entry in ClinVar:

NM_033380.3(COL4A5):c.319C>T (p.Pro107Ser)

Gene: COL4A5 (collagen type IV alpha 5 chain; plus strand). Cytogenetic location: Xq22.3.
Variant type: single nucleotide variant.
Coding change: c.319C>T on transcript NM_033380.3 (MANE Select); coding-DNA position 319, C replaced by T.
Protein change: p.Pro107Ser; replaces proline 107 with serine.
Molecular consequence: missense variant.
Genome position (GRCh38, 1-based): chrX:108,568,671, C>T. VCF-style: chrX-108568671-C-T. GRCh37 (hg19) VCF-style: chrX-107811901-C-T.
Other names: c.319C>T, p.Pro107Ser (NM_000495.5); short protein forms P107S.
Identifiers: ClinVar variation 1167809 (VCV001167809.13), dbSNP rs182634806, ClinGen allele CA10488423.
Genomic context (GRCh38, chrX:108,568,671, plus strand): 5'-TTTTATTTCTTCTTATAGGGTCCTCCTGGACTTCCTGGATTTCCAGGGACACCAGGTCTT[C>T]CTGTAAGTAGCATTTCACTTTTTACTTTGAAATCTCTTGAAAAGTAATCTAAGACATATT-3'
Protein context (NP_203699.1, residues 97-117): LPGFPGTPGL[Pro107Ser]GMPGHDGAPG

ClinVar aggregate classification (germline): Conflicting classifications of pathogenicity. Review status: criteria provided, conflicting classifications (1 of 4 stars). 3 submissions from 3 submitters: Uncertain significance (1); Benign (1); Likely benign (1). Last evaluated 2025-10-01.

Allele frequency attached by ClinVar (database versions not stated): TOPMed 0.00006; ESP Exome Variant Server 0.00009; gnomAD 0.00011 and 0.00012; gnomAD exomes 0.00017 and 0.00018; 1000 Genomes Project 30x 0.00021; 1000 Genomes Project 0.00026; ExAC 0.00030.
gnomAD v4.1: 198 of 1,199,296 alleles (0.017%); highest among the groups gnomAD compares: Non-Finnish European, 0.02%; no homozygotes.

Submissions (3):

Labcorp Genetics (formerly Invitae), Labcorp
Classification: Benign. Last evaluated: 2025-10-01. Review status: criteria provided, single submitter. Criteria: Invitae Variant Classification Sherloc (09022015). Collection method: clinical testing. Allele origin: germline.

Blueprint Genetics
Classification: Likely benign. Last evaluated: 2024-08-29. Review status: criteria provided, single submitter. Criteria: ACMG Guidelines, 2015. Collection method: clinical testing. Allele origin: germline.

GeneDx
Classification: Uncertain significance. Last evaluated: 2020-11-30. Review status: criteria provided, single submitter. Criteria: GeneDx Variant Classification Process June 2021. Collection method: clinical testing. Allele origin: germline. Affected: yes.
Comment: In silico analysis supports that this missense variant has a deleterious effect on protein structure/function; Occurs in the triple helical domain at the Y position in the canonical Gly-X-Y repeat; although this variant may have an effect on normal protein folding and function, missense substitution at the Y position is not a common mechanism of disease; Has not been previously published as pathogenic or benign to our knowledge